The following is an entry in ClinVar:

ClinVar aggregate classification (germline): Uncertain significance. Review status: criteria provided, multiple submitters, no conflicts (2 of 4 stars). 3 submissions from 3 submitters: Uncertain significance (3). Last evaluated 2026-02-03.

Conditions:
LAMA2-related muscular dystrophy (LAMA2-RD). Also called: Laminin alpha 2-related dystrophy. Identifiers: MedGen C5679788, MONDO:0100228.

Allele frequency attached by ClinVar (database versions not stated): ESP Exome Variant Server 0.00008; TOPMed below 0.00001; ExAC 0.00001; gnomAD exomes 0.00001.
gnomAD v4.1: 22 of 1,613,902 alleles (0.0014%); highest among the groups gnomAD compares: Non-Finnish European, 0.0018%; no homozygotes.

Submissions (3):

GeneDx
Classification: Uncertain significance. Last evaluated: 2026-02-03. Review status: criteria provided, single submitter. Criteria: GeneDx Variant Classification Process June 2021. Collection method: clinical testing. Allele origin: germline.
Comment: Not observed at significant frequency in large population cohorts (gnomAD); In silico analysis suggests that this missense variant does not alter protein structure/function; Has not been previously published as pathogenic or benign to our knowledge

Revvity Omics, Revvity
Classification: Uncertain significance. Last evaluated: 2022-08-04. Review status: criteria provided, single submitter. Criteria: ACMG Guidelines, 2015. Collection method: clinical testing. Allele origin: germline.

Labcorp Genetics (formerly Invitae), Labcorp
Classification: Uncertain significance for LAMA2-related muscular dystrophy. Last evaluated: 2022-04-08. Review status: criteria provided, single submitter. Criteria: Invitae Variant Classification Sherloc (09022015). Collection method: clinical testing. Allele origin: germline.
Comment: This sequence change replaces valine, which is neutral and non-polar, with isoleucine, which is neutral and non-polar, at codon 943 of the LAMA2 protein (p.Val943Ile). This variant is present in population databases (rs369724867, gnomAD 0.002%). This variant has not been reported in the literature in individuals affected with LAMA2-related conditions. ClinVar contains an entry for this variant (Variation ID: 642984). Advanced modeling of protein sequence and biophysical properties (such as structural, functional, and spatial information, amino acid conservation, physicochemical variation, residue mobility, and thermodynamic stability) performed at Invitae indicates that this missense variant is not expected to disrupt LAMA2 protein function. In summary, the available evidence is currently insufficient to determine the role of this variant in disease. Therefore, it has been classified as a Variant of Uncertain Significance.

NM_000426.4(LAMA2):c.2827G>A (p.Val943Ile)

Gene: LAMA2 (laminin subunit alpha 2; plus strand). Cytogenetic location: 6q22.33.
Variant type: single nucleotide variant.
Coding change: c.2827G>A on transcript NM_000426.4 (MANE Select); coding-DNA position 2827, G replaced by A.
Protein change: p.Val943Ile; replaces valine 943 with isoleucine.
Molecular consequence: missense variant.
Genome position (GRCh38, 1-based): chr6:129,291,691, G>A. VCF-style: chr6-129291691-G-A. GRCh37 (hg19) VCF-style: chr6-129612836-G-A.
Other names: c.2827G>A, p.Val943Ile (NM_001079823.2); short protein forms V943I.
Identifiers: ClinVar variation 642984 (VCV000642984.6), dbSNP rs369724867, ClinGen allele CA3993068.
Genomic context (GRCh38, chr6:129,291,691, plus strand): 5'-GGTGGCTCTTTCTCTGAGGTTTGCCACAGTCAAACTGGACAGTGTGAGTGCAGAGCCAAC[G>A]TTCAGGGTCAGAGATGTGACAAATGCAAGGTAAGGAGTAGAGGCTGACCCATAAATTACT-3'
Protein context (NP_000417.3, residues 933-953): QTGQCECRAN[Val943Ile]QGQRCDKCKA